The following is an entry in ClinVar:

NM_002397.5(MEF2C):c.1377_1378delinsA (p.Ser459fs)

Genes: MEF2C (myocyte enhancer factor 2C; minus strand), MEF2C-AS2 (MEF2C antisense RNA 2; plus strand). Cytogenetic location: 5q14.3.
Variant type: Indel.
Coding change: c.1377_1378delinsA on transcript NM_002397.5 (MANE Select); coding-DNA positions 1377 to 1378, TC replaced by A.
Protein change: p.Ser459fs; shifts the reading frame from serine 459.
Molecular consequence: frameshift variant. On other transcripts: non-coding transcript variant (1), 3 prime UTR variant (9).
Genome position (GRCh38, 1-based): chr5:88,722,648-88,722,649, GA replaced by T on the plus strand (TC replaced by A on the coding strand, the reverse complement: MEF2C is on the minus strand). VCF-style: chr5-88722648-GA-T. GRCh37 (hg19) VCF-style: chr5-88018465-GA-T.
Other names: c.1137_1138delinsA, p.Ser379fs (NM_001364332.2, NM_001193349.3); c.1353_1354delinsA, p.Ser451fs (NM_001364333.2, NM_001308002.3); c.1281_1282delinsA, p.Ser427fs (NM_001364334.2, NM_001364335.2, NM_001363581.2 and 2 more transcripts); c.1377_1378delinsA, p.Ser459fs (NM_001193350.2, NM_001364329.2, NM_001364330.2 and 1 more transcripts); c.1347_1348delinsA, p.Ser449fs (NM_001131005.2); c.1407_1408delinsA, p.Ser469fs (NM_001193347.1); c.1209_1210delinsA, p.Ser403fs (NM_001193348.1); c.1311_1312delinsA, p.Ser437fs (NM_001364338.2); and 7 more; short protein forms S277fs, S301fs, S333fs, S379fs, S403fs, S411fs, S417fs, S419fs.
Identifiers: ClinVar variation 3368865 (VCV003368865.1).

ClinVar aggregate classification (germline): Uncertain significance (1 of 4 stars; one submission).

Submission:

GeneDx
Classification: Uncertain significance. Last evaluated: 2024-02-06. Review status: criteria provided, single submitter. Criteria: GeneDx Variant Classification Process June 2021. Collection method: clinical testing. Allele origin: germline. Affected: yes.
Comment: Not observed at significant frequency in large population cohorts (gnomAD); Frameshift variant predicted to result in abnormal protein length as the last 15 amino acids are replaced with 21 different amino acids; Has not been previously published as pathogenic or benign to our knowledge